The following is an entry in ClinVar:

ClinVar aggregate classification (germline): Likely pathogenic (1 of 4 stars; one submission).

Conditions:
Nonsyndromic genetic hearing loss. Also called: Nonsyndromic genetic deafness; Nonsyndromic hearing loss and deafness; Non-syndromic genetic deafness. Identifiers: Orphanet 87884, MedGen C5680182, MONDO:0019497.

Submission:

Women's Health and Genetics/Laboratory Corporation of America, LabCorp
Classification: Likely pathogenic for Nonsyndromic genetic hearing loss. Last evaluated: 2026-02-04. Review status: criteria provided, single submitter. Criteria: LabCorp Variant Classification Summary - May 2015. Collection method: clinical testing. Allele origin: germline.
Comment: Variant summary: GJB2 c.521G>A (p.Cys174Tyr) results in a non-conservative amino acid change in the encoded protein sequence. Algorithms developed to predict the effect of missense changes on protein structure and function all suggest that this variant is likely to be disruptive. The variant was absent in 251252 control chromosomes. c.521G>A has been observed in the homozygous state in at least two individuals affected with Non-Syndromic Hearing Loss (e.g. Du_2014, Wang_2014). These data indicate that the variant is likely to be associated with disease. To our knowledge, no experimental evidence demonstrating an impact on protein function has been reported. The following publications have been ascertained in the context of this evaluation (PMID: 24256046, 25129963). No submitters have cited clinical-significance assessments for this variant to ClinVar. Based on the evidence outlined above, the variant was classified as likely pathogenic.

Literature cited by the submitters: PubMed 24256046; PubMed 25129963.

NM_004004.6(GJB2):c.521G>A (p.Cys174Tyr)

Gene: GJB2 (gap junction protein beta 2; minus strand). Cytogenetic location: 13q12.11.
Variant type: single nucleotide variant.
Coding change: c.521G>A on transcript NM_004004.6 (MANE Select); coding-DNA position 521, G replaced by A.
Protein change: p.Cys174Tyr; replaces cysteine 174 with tyrosine.
Molecular consequence: missense variant.
Genome position (GRCh38, 1-based): chr13:20,189,061, C>T on the plus strand (G>A on the coding strand, the complement: GJB2 is on the minus strand). VCF-style: chr13-20189061-C-T. GRCh37 (hg19) VCF-style: chr13-20763200-C-T.
Other names: short protein forms C174Y.
Identifiers: ClinVar variation 4848032 (VCV004848032.1).
Genomic context (GRCh38, chr13:20,189,061, plus strand): 5'-AACACTGTGAAGACAGTCTTCTCCGTGGGCCGGGACACAAAGCAGTCCACAGTGTTGGGA[C>T]AAGGCCAGGCGTTGCACTTCACCAGCCGCTGCATGGAGAAGCCGTCGTACATGACATAGA-3'
Protein context (NP_003995.2, residues 164-184): QRLVKCNAWP[Cys174Tyr]PNTVDCFVSR